The following is an entry in ClinVar:

NM_005006.7(NDUFS1):c.123C>T (p.Val41=)

Gene: NDUFS1 (NADH:ubiquinone oxidoreductase core subunit S1; minus strand). Cytogenetic location: 2q33.3.
Variant type: single nucleotide variant.
Coding change: c.123C>T on transcript NM_005006.7 (MANE Select); coding-DNA position 123, C replaced by T.
Protein change: p.Val41=; no amino-acid change (valine 41 retained).
Molecular consequence: synonymous variant. On other transcripts: intron variant (2).
Genome position (GRCh38, 1-based): chr2:206,152,449, G>A on the plus strand (C>T on the coding strand, the complement: NDUFS1 is on the minus strand). VCF-style: chr2-206152449-G-A. GRCh37 (hg19) VCF-style: chr2-207017173-G-A.
Other names: p.V41V:GTC>GTT; p.Val41=; c.123C>T, p.Val41= (NM_001199981.2); c.165C>T, p.Val55= (NM_001199984.2); c.5+1169C>T (NM_001199982.2); c.-19+1169C>T (NM_001199983.2).
Identifiers: ClinVar variation 138482 (VCV000138482.14), dbSNP rs2230888, ClinGen allele CA292492.

ClinVar aggregate classification (germline): Benign/Likely benign. Review status: criteria provided, multiple submitters, no conflicts (2 of 4 stars). 6 submissions from 5 submitters: Benign (3); Likely benign (3). Last evaluated 2026-01-28.

Conditions:
Leigh syndrome (NULS). Also called: Leigh Disease; Leigh Syndrome (mtDNA deletion); Subacute necrotizing encephalopathy; Necrotizing encephalopathy infantile subacute of Leigh; Leigh's necrotizing encephalopathy; Leigh's disease. Identifiers: Orphanet 506, MedGen C2931891, MONDO:0009723, OMIM 256000.
Mitochondrial complex I deficiency, nuclear type 1. Also called: NADH-COENZYME Q REDUCTASE DEFICIENCY; MITOCHONDRIAL NADH DEHYDROGENASE COMPONENT OF COMPLEX I, DEFICIENCY OF. Identifiers: MedGen C6022305, MONDO:0100224, OMIM 252010.

Allele frequency attached by ClinVar (database versions not stated): gnomAD exomes 0.00203 and 0.00577; ExAC 0.00744; gnomAD 0.02262 and 0.02420; TOPMed 0.02534; 1000 Genomes Project 0.02656; 1000 Genomes Project 30x 0.02795; ESP Exome Variant Server 0.02845.
gnomAD v4.1: 6,498 of 1,614,080 alleles (0.4%); highest among the groups gnomAD compares: African/African-American, 7.8%; 220 homozygotes.

Submissions (6):

Labcorp Genetics (formerly Invitae), Labcorp
Classification: Benign. Last evaluated: 2026-01-28. Review status: criteria provided, single submitter. Criteria: Invitae Variant Classification Sherloc (09022015). Collection method: clinical testing. Allele origin: germline.

Mayo Clinic Laboratories, Mayo Clinic
Classification: Benign. Last evaluated: 2022-07-08. Review status: criteria provided, single submitter. Criteria: ACMG Guidelines, 2015. Collection method: clinical testing. Allele origin: germline. Observed: 23 variant alleles.

Illumina Laboratory Services, Illumina
Classification: Likely benign for Leigh syndrome. Last evaluated: 2017-04-27. Review status: criteria provided, single submitter. Criteria: ICSL Variant Classification Criteria 13 December 2019. Collection method: clinical testing. Allele origin: germline.
Comment: This variant was observed as part of a predisposition screen in an ostensibly healthy population. A literature search was performed for the gene, cDNA change, and amino acid change (where applicable). No publications were found based on this search. Allele frequency data from public databases allowed determination this variant is unlikely to cause disease. Therefore, this variant is classified as likely benign.

Illumina Laboratory Services, Illumina
Classification: Likely benign for Mitochondrial complex I deficiency, nuclear type 1. Last evaluated: 2017-04-27. Review status: criteria provided, single submitter. Criteria: ICSL Variant Classification Criteria 13 December 2019. Collection method: clinical testing. Allele origin: germline.
Comment: the same text as in the submission from Illumina Laboratory Services, Illumina above.

GeneDx
Classification: Benign. Last evaluated: 2012-08-21. Review status: criteria provided, single submitter. Criteria: GeneDx Variant Classification (06012015). Collection method: clinical testing. Allele origin: germline. Affected: yes.
Comment: This variant is considered likely benign or benign based on one or more of the following criteria: it is a conservative change, it occurs at a poorly conserved position in the protein, it is predicted to be benign by multiple in silico algorithms, and/or has population frequency not consistent with disease.

Breakthrough Genomics
Classification: Likely benign. Review status: criteria provided, single submitter. Criteria: ACMG Guidelines, 2015. Collection method: not provided. Allele origin: germline. Inheritance: Autosomal recessive inheritance. Affected: yes.